The following is an entry in ClinVar:

ClinVar aggregate classification (germline): Uncertain significance (1 of 4 stars; one submission).

Conditions:
PKD1L1-related disorder. Also called: PKD1L1-related condition.

gnomAD v4.1: 2 of 1,614,052 alleles (0.00012%); highest among the groups gnomAD compares: Non-Finnish European, 0.00017%; no homozygotes.

Submission:

PreventionGenetics, part of Exact Sciences
Classification: Uncertain significance for PKD1L1-related condition. Last evaluated: 2025-08-01. Review status: criteria provided, single submitter. Criteria: ACMG Guidelines, 2015. Collection method: clinical testing. Allele origin: germline.
Comment: The PKD1L1 c.1819A>G variant is predicted to result in the amino acid substitution p.Ser607Gly. To our knowledge, this variant has not been reported in the literature. This variant is reported in 0.00088% of alleles in individuals of European (Non-Finnish) descent in gnomAD. At this time, the clinical significance of this variant is uncertain due to the absence of conclusive functional and genetic evidence.

NM_138295.5(PKD1L1):c.1819A>G (p.Ser607Gly)

Gene: PKD1L1 (polycystin 1 like 1, transient receptor potential channel interacting; minus strand). Cytogenetic location: 7p12.3.
Variant type: single nucleotide variant.
Coding change: c.1819A>G on transcript NM_138295.5 (MANE Select); coding-DNA position 1819, A replaced by G.
Protein change: p.Ser607Gly; replaces serine 607 with glycine.
Molecular consequence: missense variant.
Genome position (GRCh38, 1-based): chr7:47,904,490, T>C on the plus strand (A>G on the coding strand, the complement: PKD1L1 is on the minus strand). VCF-style: chr7-47904490-T-C. GRCh37 (hg19) VCF-style: chr7-47944087-T-C.
Other names: short protein forms S607G.
Identifiers: ClinVar variation 4982662 (VCV004982662.1).